The following is an entry in ClinVar:

ClinVar aggregate classification (germline): Uncertain significance. Review status: criteria provided, multiple submitters, no conflicts (2 of 4 stars). 3 submissions from 3 submitters: Uncertain significance (3). Last evaluated 2024-02-12.

Conditions:
Primary ciliary dyskinesia. Also called: Ciliary dyskinesia. Identifiers: Orphanet 244, MedGen C0008780, MONDO:0016575, HP:0012265.

Allele frequency attached by ClinVar (database versions not stated): gnomAD exomes 0.00007; ExAC 0.00008; ESP Exome Variant Server 0.00025; TOPMed 0.00032; gnomAD 0.00033 and 0.00034; 1000 Genomes Project 30x 0.00062; 1000 Genomes Project 0.00080.
gnomAD v4.1: 156 of 1,606,834 alleles (0.0097%); highest among the groups gnomAD compares: African/African-American, 0.13%; 1 homozygote.

Submissions (3):

Ambry Genetics
Classification: Uncertain significance for Primary ciliary dyskinesia. Last evaluated: 2024-02-12. Review status: criteria provided, single submitter. Criteria: Ambry Variant Classification Scheme 2023. Collection method: clinical testing. Allele origin: germline.
Comment: The p.S11C variant (also known as c.32C>G), located in coding exon 2 of the CCDC40 gene, results from a C to G substitution at nucleotide position 32. The serine at codon 11 is replaced by cysteine, an amino acid with dissimilar properties. This amino acid position is highly conserved in available vertebrate species. In addition, this alteration is predicted to be tolerated by in silico analysis. Since supporting evidence is limited at this time, the clinical significance of this alteration remains unclear.

Labcorp Genetics (formerly Invitae), Labcorp
Classification: Uncertain significance for Primary ciliary dyskinesia. Last evaluated: 2022-08-19. Review status: criteria provided, single submitter. Criteria: Invitae Variant Classification Sherloc (09022015). Collection method: clinical testing. Allele origin: germline.
Comment: This sequence change replaces serine, which is neutral and polar, with cysteine, which is neutral and slightly polar, at codon 11 of the CCDC40 protein (p.Ser11Cys). This variant is present in population databases (rs111822347, gnomAD 0.1%), including at least one homozygous and/or hemizygous individual. This variant has not been reported in the literature in individuals affected with CCDC40-related conditions. ClinVar contains an entry for this variant (Variation ID: 525443). Algorithms developed to predict the effect of missense changes on protein structure and function are either unavailable or do not agree on the potential impact of this missense change (SIFT: "Deleterious"; PolyPhen-2: "Possibly Damaging"; Align-GVGD: "Class C0"). In summary, the available evidence is currently insufficient to determine the role of this variant in disease. Therefore, it has been classified as a Variant of Uncertain Significance.

Breakthrough Genomics
Classification: Uncertain significance. Review status: criteria provided, single submitter. Criteria: ACMG Guidelines, 2015. Collection method: not provided. Allele origin: germline. Inheritance: Autosomal recessive inheritance. Affected: yes.

NM_017950.4(CCDC40):c.32C>G (p.Ser11Cys)

Gene: CCDC40 (coiled-coil domain 40 molecular ruler complex subunit; plus strand). Cytogenetic location: 17q25.3.
Variant type: single nucleotide variant.
Coding change: c.32C>G on transcript NM_017950.4 (MANE Select); coding-DNA position 32, C replaced by G.
Protein change: p.Ser11Cys; replaces serine 11 with cysteine.
Molecular consequence: missense variant.
Genome position (GRCh38, 1-based): chr17:80,038,125, C>G. VCF-style: chr17-80038125-C-G. GRCh37 (hg19) VCF-style: chr17-78011924-C-G.
Other names: c.32C>G, p.Ser11Cys (NM_001243342.2, NM_001330508.2); short protein forms S11C.
Identifiers: ClinVar variation 525443 (VCV000525443.12), dbSNP rs111822347, ClinGen allele CA8813355.